The following is an entry in ClinVar:

ClinVar aggregate classification (germline): Uncertain significance (1 of 4 stars; one submission).

Conditions:
Cardiovascular phenotype. Identifiers: MedGen CN230736.

Submission:

Ambry Genetics
Classification: Uncertain significance for Cardiovascular phenotype. Last evaluated: 2020-10-30. Review status: criteria provided, single submitter. Criteria: Ambry Variant Classification Scheme 2023. Collection method: clinical testing. Allele origin: germline.
Comment: The p.H467Y variant (also known as c.1399C>T), located in coding exon 8 of the AKAP9 gene, results from a C to T substitution at nucleotide position 1399. The histidine at codon 467 is replaced by tyrosine, an amino acid with similar properties. This amino acid position is well conserved in available vertebrate species. In addition, this alteration is predicted to be tolerated by in silico analysis. Since supporting evidence is limited at this time, the clinical significance of this alteration remains unclear.

NM_005751.5(AKAP9):c.1399C>T (p.His467Tyr)

Gene: AKAP9 (A-kinase anchoring protein 9; plus strand). Cytogenetic location: 7q21.2.
Variant type: single nucleotide variant.
Coding change: c.1399C>T on transcript NM_005751.5 (MANE Select); coding-DNA position 1399, C replaced by T.
Protein change: p.His467Tyr; replaces histidine 467 with tyrosine.
Molecular consequence: missense variant.
Genome position (GRCh38, 1-based): chr7:92,001,316, C>T. VCF-style: chr7-92001316-C-T. GRCh37 (hg19) VCF-style: chr7-91630630-C-T.
Other names: c.1399C>T, p.His467Tyr (NM_147185.3); short protein forms H467Y.
Identifiers: ClinVar variation 1771700 (VCV001771700.2), dbSNP rs2484689859, ClinGen allele CA368121699.